The following is an entry in ClinVar:

NM_001105206.3(LAMA4):c.2449A>T (p.Arg817Trp)

Gene: LAMA4 (laminin subunit alpha 4; minus strand). Cytogenetic location: 6q21.
Variant type: single nucleotide variant.
Coding change: c.2449A>T on transcript NM_001105206.3 (MANE Select); coding-DNA position 2449, A replaced by T.
Protein change: p.Arg817Trp; replaces arginine 817 with tryptophan.
Molecular consequence: missense variant.
Genome position (GRCh38, 1-based): chr6:112,144,838, T>A on the plus strand (A>T on the coding strand, the complement: LAMA4 is on the minus strand). VCF-style: chr6-112144838-T-A. GRCh37 (hg19) VCF-style: chr6-112466040-T-A.
Other names: c.2428A>T, p.Arg810Trp (NM_001105207.3, NM_002290.5); short protein forms R810W, R817W.
Identifiers: ClinVar variation 3640486 (VCV003640486.3).
Genomic context (GRCh38, chr6:112,144,838, plus strand): 5'-TCTTTTCATCAGTTACCTTGCTGGCAACACTTCTGGTCTGAGCAATGAGCTCTCGGATCC[T>A]CTGGATGCTGGCAGAAACGTTGCTTGCAGGTCGCTTCTGCTCAACCGTACGAAGCTGATC-3'
Protein context (NP_001098676.2, residues 807-827): PASNVSASIQ[Arg817Trp]IRELIAQTRS

ClinVar aggregate classification (germline): Uncertain significance. Review status: criteria provided, multiple submitters, no conflicts (2 of 4 stars). 2 submissions from 2 submitters: Uncertain significance (2). Last evaluated 2025-12-04.

Conditions:
Dilated cardiomyopathy 1JJ (CMD1JJ). Identifiers: Orphanet 154, MedGen C3808935, MONDO:0014095, OMIM 615235.
Cardiovascular phenotype. Identifiers: MedGen CN230736.

gnomAD v4.1: 21 of 1,613,850 alleles (0.0013%); highest among the groups gnomAD compares: Non-Finnish European, 0.0016%; no homozygotes.

Submissions (2):

Ambry Genetics
Classification: Uncertain significance for Cardiovascular phenotype. Last evaluated: 2025-12-04. Review status: criteria provided, single submitter. Criteria: Ambry Variant Classification Scheme 2023. Collection method: clinical testing. Allele origin: germline.

Labcorp Genetics (formerly Invitae), Labcorp
Classification: Uncertain significance for Dilated cardiomyopathy 1JJ. Last evaluated: 2025-05-27. Review status: criteria provided, single submitter. Criteria: Invitae Variant Classification Sherloc (09022015). Collection method: clinical testing. Allele origin: germline.
Comment: This sequence change replaces arginine, which is basic and polar, with tryptophan, which is neutral and slightly polar, at codon 810 of the LAMA4 protein (p.Arg810Trp). This variant is present in population databases (rs782595631, gnomAD 0.005%). This variant has not been reported in the literature in individuals affected with LAMA4-related conditions. ClinVar contains an entry for this variant (Variation ID: 3640486). Invitae Evidence Modeling of protein sequence and biophysical properties (such as structural, functional, and spatial information, amino acid conservation, physicochemical variation, residue mobility, and thermodynamic stability) indicates that this missense variant is expected to disrupt LAMA4 protein function with a positive predictive value of 80%. In summary, the available evidence is currently insufficient to determine the role of this variant in disease. Therefore, it has been classified as a Variant of Uncertain Significance.